The following is an entry in ClinVar:

NM_004260.4(RECQL4):c.2677C>G (p.Pro893Ala)

Gene: RECQL4 (RecQ like helicase 4; minus strand). Cytogenetic location: 8q24.3.
Variant type: single nucleotide variant.
Coding change: c.2677C>G on transcript NM_004260.4 (MANE Select); coding-DNA position 2677, C replaced by G.
Protein change: p.Pro893Ala; replaces proline 893 with alanine.
Molecular consequence: missense variant.
Genome position (GRCh38, 1-based): chr8:144,512,925, G>C on the plus strand (C>G on the coding strand, the complement: RECQL4 is on the minus strand). VCF-style: chr8-144512925-G-C. GRCh37 (hg19) VCF-style: chr8-145738308-G-C.
Other names: short protein forms P893A.
Identifiers: ClinVar variation 1026280 (VCV001026280.3), dbSNP rs1264247879, ClinGen allele CA372675373.
Genomic context (GRCh38, chr8:144,512,925, plus strand): 5'-AAGCCTGTACGGTAAGCTGTATTGGGAGTGCCCGCTCATGGCCCATGCAGACCCTTCTGG[G>C]TCCTGGGGCTGCTTGGTGGCTAAGCTGCTCAGCCTCTTGAGGGGGGTACTTGGGCACAGG-3'
Protein context (NP_004251.4, residues 883-903): EQLSHQAAPG[Pro893Ala]RRVCMGHERA

ClinVar aggregate classification (germline): Uncertain significance (1 of 4 stars; one submission).

Conditions:
Baller-Gerold syndrome (BGS). Also called: CRANIOSYNOSTOSIS WITH RADIAL DEFECTS. Identifiers: Orphanet 1225, MedGen C0265308, MONDO:0009039, OMIM 218600.

gnomAD v4.1: 2 of 1,581,842 alleles (0.00013%); highest among the groups gnomAD compares: South Asian, 0.0011%; no homozygotes.

Submission:

Labcorp Genetics (formerly Invitae), Labcorp
Classification: Uncertain significance for Baller-Gerold syndrome. Last evaluated: 2020-08-05. Review status: criteria provided, single submitter. Criteria: Invitae Variant Classification Sherloc (09022015). Collection method: clinical testing. Allele origin: germline.
Comment: This sequence change replaces proline with alanine at codon 893 of the RECQL4 protein (p.Pro893Ala). The proline residue is weakly conserved and there is a small physicochemical difference between proline and alanine. This variant is not present in population databases (ExAC no frequency). This variant has not been reported in the literature in individuals with RECQL4-related conditions. Experimental studies and prediction algorithms are not available or were not evaluated, and the functional significance of this variant is currently unknown. In summary, the available evidence is currently insufficient to determine the role of this variant in disease. Therefore, it has been classified as a Variant of Uncertain Significance.